The following is an entry in ClinVar:

NM_006929.5(SKIC2):c.598G>A (p.Asp200Asn)

Gene: SKIC2 (SKI2 subunit of superkiller complex; plus strand). Cytogenetic location: 6p21.33.
Variant type: single nucleotide variant.
Coding change: c.598G>A on transcript NM_006929.5 (MANE Select); coding-DNA position 598, G replaced by A.
Protein change: p.Asp200Asn; replaces aspartic acid 200 with asparagine.
Molecular consequence: missense variant.
Genome position (GRCh38, 1-based): chr6:31,961,094, G>A. VCF-style: chr6-31961094-G-A. GRCh37 (hg19) VCF-style: chr6-31928871-G-A.
Other names: short protein forms D200N.
Identifiers: ClinVar variation 2002878 (VCV002002878.4), dbSNP rs759682611, ClinGen allele CA363442118.

ClinVar aggregate classification (germline): Uncertain significance (1 of 4 stars; one submission).

gnomAD v4.1: 1 of 1,613,396 alleles (0.000062%); highest among the groups gnomAD compares: Non-Finnish European, 0.000085%; no homozygotes.

Submission:

Labcorp Genetics (formerly Invitae), Labcorp
Classification: Uncertain significance. Last evaluated: 2022-03-04. Review status: criteria provided, single submitter. Criteria: Invitae Variant Classification Sherloc (09022015). Collection method: clinical testing. Allele origin: germline.
Comment: This variant is not present in population databases (gnomAD no frequency). This sequence change replaces aspartic acid, which is acidic and polar, with asparagine, which is neutral and polar, at codon 200 of the SKIV2L protein (p.Asp200Asn). This variant also falls at the last nucleotide of exon 7, which is part of the consensus splice site for this exon. This variant has not been reported in the literature in individuals affected with SKIV2L-related conditions. In summary, the available evidence is currently insufficient to determine the role of this variant in disease. Therefore, it has been classified as a Variant of Uncertain Significance. Variants that disrupt the consensus splice site are a relatively common cause of aberrant splicing (PMID: 17576681, 9536098). Algorithms developed to predict the effect of sequence changes on RNA splicing suggest that this variant may disrupt the consensus splice site. Algorithms developed to predict the effect of missense changes on protein structure and function output the following: SIFT: "Tolerated"; PolyPhen-2: "Benign"; Align-GVGD: "Class C0". The asparagine amino acid residue is found in multiple mammalian species, which suggests that this missense change does not adversely affect protein function.

Literature cited by the submitters: PubMed 17576681; PubMed 9536098.